The following is an entry in ClinVar:

ClinVar aggregate classification (germline): Uncertain significance. Review status: criteria provided, multiple submitters, no conflicts (2 of 4 stars). 2 submissions from 2 submitters: Uncertain significance (2). Last evaluated 2023-09-27.

Conditions:
PALLD-related disorder. Also called: PALLD-related condition.

Allele frequency attached by ClinVar (database versions not stated): gnomAD exomes below 0.00001; ExAC 0.00001; gnomAD 0.00001; TOPMed 0.00001.
gnomAD v4.1: 3 of 1,600,252 alleles (0.00019%); highest among the groups gnomAD compares: African/African-American, 0.004%; no homozygotes.

Submissions (2):

PreventionGenetics, part of Exact Sciences
Classification: Uncertain significance for PALLD-related condition. Last evaluated: 2023-09-27. Review status: criteria provided, single submitter. Criteria: ACMG Guidelines, 2015. Collection method: clinical testing. Allele origin: germline.
Comment: The PALLD c.1094G>C variant is predicted to result in the amino acid substitution p.Ser365Thr. To our knowledge, this variant has not been reported in the literature. This variant is reported in 0.0080% of alleles in individuals of African descent in gnomAD. At this time, the clinical significance of this variant is uncertain due to the absence of conclusive functional and genetic evidence.

Ambry Genetics
Classification: Uncertain significance. Last evaluated: 2022-09-26. Review status: criteria provided, single submitter. Criteria: Ambry Variant Classification Scheme 2023. Collection method: clinical testing. Allele origin: germline.
Comment: The p.S365T variant (also known as c.1094G>C), located in coding exon 3 of the PALLD gene, results from a G to C substitution at nucleotide position 1094. The serine at codon 365 is replaced by threonine, an amino acid with similar properties. This amino acid position is conserved. In addition, the in silico prediction for this alteration is inconclusive. Since supporting evidence is limited at this time, the clinical significance of this alteration remains unclear.

NM_001166108.2(PALLD):c.1094G>C (p.Ser365Thr)

Gene: PALLD (palladin, cytoskeletal associated protein; plus strand). Cytogenetic location: 4q32.3.
Variant type: single nucleotide variant.
Coding change: c.1094G>C on transcript NM_001166108.2 (MANE Select); coding-DNA position 1094, G replaced by C.
Protein change: p.Ser365Thr; replaces serine 365 with threonine.
Molecular consequence: missense variant. On other transcripts: 5 prime UTR variant (1).
Genome position (GRCh38, 1-based): chr4:168,681,338, G>C. VCF-style: chr4-168681338-G-C. GRCh37 (hg19) VCF-style: chr4-169602489-G-C.
Other names: c.-53G>C (NM_001166109.2); c.1094G>C, p.Ser365Thr (NM_016081.4); short protein forms S365T.
Identifiers: ClinVar variation 1790202 (VCV001790202.3), dbSNP rs746962804, ClinGen allele CA3135519.